The following is an entry in ClinVar:

ClinVar aggregate classification (germline): Uncertain significance (1 of 4 stars; one submission).

Submission:

GeneDx
Classification: Uncertain significance. Last evaluated: 2025-06-13. Review status: criteria provided, single submitter. Criteria: GeneDx Variant Classification Process June 2021. Collection method: clinical testing. Allele origin: germline. Affected: yes.
Comment: Not observed at significant frequency in large population cohorts (gnomAD); In silico analysis suggests that this missense variant does not alter protein structure/function; Has not been previously published as pathogenic or benign to our knowledge

NM_000256.3(MYBPC3):c.3696G>T (p.Lys1232Asn)

Gene: MYBPC3 (myosin binding protein C3; minus strand). Cytogenetic location: 11p11.2.
Variant type: single nucleotide variant.
Coding change: c.3696G>T on transcript NM_000256.3 (MANE Select); coding-DNA position 3696, G replaced by T.
Protein change: p.Lys1232Asn; replaces lysine 1232 with asparagine.
Molecular consequence: missense variant.
Genome position (GRCh38, 1-based): chr11:47,332,190, C>A on the plus strand (G>T on the coding strand, the complement: MYBPC3 is on the minus strand). VCF-style: chr11-47332190-C-A. GRCh37 (hg19) VCF-style: chr11-47353741-C-A.
Other names: short protein forms K1232N.
Identifiers: ClinVar variation 4537640 (VCV004537640.1).